The following is an entry in ClinVar:

ClinVar aggregate classification (germline): Uncertain significance. Review status: criteria provided, multiple submitters, no conflicts (2 of 4 stars). 4 submissions from 4 submitters: Uncertain significance (4). Last evaluated 2024-11-05.

Conditions:
Hydrolethalus syndrome 2 (HLS2). Identifiers: Orphanet 2189, MedGen C3279899, MONDO:0013585, OMIM 614120.
Multiple epiphyseal dysplasia, Al-Gazali type. Also called: Macrocephaly with multiple epiphyseal dysplasia and distinctive facies. Identifiers: Orphanet 166024, MedGen C1846722, MONDO:0011778, OMIM 607131.
Acrocallosal syndrome (ACLS). Also called: Schinzel syndrome 1; Absence of corpus callosum with unusual facial appearance, mental deficiency, duplication of the halluces and polydactyly; HALLUX DUPLICATION, POSTAXIAL POLYDACTYLY, AND ABSENCE OF CORPUS CALLOSUM. Identifiers: Orphanet 36, MedGen C0796147, MONDO:0008708, OMIM 200990.

Allele frequency attached by ClinVar (database versions not stated): ExAC 0.00009; gnomAD 0.00009 and 0.00010; TOPMed 0.00010.
gnomAD v4.1: 86 of 1,613,570 alleles (0.0053%); highest among the groups gnomAD compares: Admixed American, 0.037%; no homozygotes.

Submissions (4):

Blueprint Genetics
Classification: Uncertain significance. Last evaluated: 2024-11-05. Review status: criteria provided, single submitter. Criteria: ACMG Guidelines, 2015. Collection method: clinical testing. Allele origin: germline.

Labcorp Genetics (formerly Invitae), Labcorp
Classification: Uncertain significance for Acrocallosal syndrome. Last evaluated: 2022-10-24. Review status: criteria provided, single submitter. Criteria: Invitae Variant Classification Sherloc (09022015). Collection method: clinical testing. Allele origin: germline.
Comment: This sequence change replaces threonine, which is neutral and polar, with methionine, which is neutral and non-polar, at codon 807 of the KIF7 protein (p.Thr807Met). This variant is present in population databases (rs757175418, gnomAD 0.04%). This variant has not been reported in the literature in individuals affected with KIF7-related conditions. ClinVar contains an entry for this variant (Variation ID: 283078). Advanced modeling of protein sequence and biophysical properties (such as structural, functional, and spatial information, amino acid conservation, physicochemical variation, residue mobility, and thermodynamic stability) performed at Invitae indicates that this missense variant is not expected to disrupt KIF7 protein function. In summary, the available evidence is currently insufficient to determine the role of this variant in disease. Therefore, it has been classified as a Variant of Uncertain Significance.

Fulgent Genetics
Classification: Uncertain significance for Acrocallosal syndrome; Multiple epiphyseal dysplasia, Al-Gazali type; Hydrolethalus syndrome 2. Last evaluated: 2018-10-31. Review status: criteria provided, single submitter. Criteria: ACMG Guidelines, 2015. Collection method: clinical testing. Allele origin: unknown.

Eurofins Ntd Llc (ga)
Classification: Uncertain significance. Last evaluated: 2015-09-04. Review status: criteria provided, single submitter. Criteria: EGL Classification Definitions 2015. Collection method: clinical testing. Allele origin: germline. Observed: 1 variant allele, 1 heterozygote.

NM_198525.3(KIF7):c.2420C>T (p.Thr807Met)

Gene: KIF7 (kinesin family member 7; minus strand). Cytogenetic location: 15q26.1.
Variant type: single nucleotide variant.
Coding change: c.2420C>T on transcript NM_198525.3 (MANE Select); coding-DNA position 2420, C replaced by T.
Protein change: p.Thr807Met; replaces threonine 807 with methionine.
Molecular consequence: missense variant.
Genome position (GRCh38, 1-based): chr15:89,633,858, G>A on the plus strand (C>T on the coding strand, the complement: KIF7 is on the minus strand). VCF-style: chr15-89633858-G-A. GRCh37 (hg19) VCF-style: chr15-90177089-G-A.
Other names: short protein forms T807M.
Identifiers: ClinVar variation 283078 (VCV000283078.9), dbSNP rs757175418, ClinGen allele CA7728167.